The following is an entry in ClinVar:

ClinVar aggregate classification (germline): Likely pathogenic (1 of 4 stars; one submission).

Conditions:
Charcot-Marie-Tooth disease type 4D. Also called: CHARCOT-MARIE-TOOTH DISEASE, DEMYELINATING, TYPE 4D; CHARCOT-MARIE-TOOTH DISEASE, DEMYELINATING, AUTOSOMAL RECESSIVE, TYPE 4D; NEUROPATHY, HEREDITARY MOTOR AND SENSORY, LOM TYPE; Charcot-Marie-Tooth Neuropathy Type 4D. Identifiers: Orphanet 99950, MedGen C1832334, MONDO:0011085, OMIM 601455.

Submission:

Natera, Inc.
Classification: Likely pathogenic for Charcot-Marie-Tooth disease type 4D. Last evaluated: 2025-10-23. Review status: criteria provided, single submitter. Criteria: Natera Variant Classification Schema (03/2026). Collection method: clinical testing. Allele origin: germline.
Comment: The c.206-2A>G variant in NDRG1 is a canonical splice acceptor site variant predicted to affect pre-mRNA splicing, which may result in an abnormal transcript and altered protein product. This variant is expected to result in nonsense mediated decay, truncation, or a dysfunctional protein product. This variant is rare in the general population with a frequency below the threshold expected for the associated phenotype(s). Given the available evidence, this variant is classified as Likely Pathogenic.

NM_006096.4(NDRG1):c.206-2A>G

Gene: NDRG1 (N-myc downstream regulated 1; minus strand). Cytogenetic location: 8q24.22.
Variant type: single nucleotide variant.
Coding change: c.206-2A>G on transcript NM_006096.4 (MANE Select); the canonical splice acceptor site of the intron before coding-DNA position 206, A replaced by G.
Molecular consequence: splice acceptor variant.
Genome position (GRCh38, 1-based): chr8:133,262,169, T>C on the plus strand (A>G on the coding strand, the complement: NDRG1 is on the minus strand). VCF-style: chr8-133262169-T-C. GRCh37 (hg19) VCF-style: chr8-134274412-T-C.
Other names: c.8-2A>G (NM_001258432.2, NM_001374847.1); c.-38-2A>G (NM_001258433.2); c.206-2A>G (NM_001374844.1, NM_001135242.2, NM_001374845.1 and 1 more transcripts).
Identifiers: ClinVar variation 4815492 (VCV004815492.1).